The following is an entry in ClinVar:

NM_001134363.3(RBM20):c.776G>A (p.Gly259Asp)

Gene: RBM20 (RNA binding motif protein 20; plus strand). Cytogenetic location: 10q25.2.
Variant type: single nucleotide variant.
Coding change: c.776G>A on transcript NM_001134363.3 (MANE Select); coding-DNA position 776, G replaced by A.
Protein change: p.Gly259Asp; replaces glycine 259 with aspartic acid.
Molecular consequence: missense variant.
Genome position (GRCh38, 1-based): chr10:110,781,385, G>A. VCF-style: chr10-110781385-G-A. GRCh37 (hg19) VCF-style: chr10-112541143-G-A.
Other names: short protein forms G259D.
Identifiers: ClinVar variation 2165906 (VCV002165906.6), dbSNP rs940901720, ClinGen allele CA378383127.

ClinVar aggregate classification (germline): Uncertain significance. Review status: criteria provided, multiple submitters, no conflicts (2 of 4 stars). 2 submissions from 2 submitters: Uncertain significance (2). Last evaluated 2022-12-06.

Conditions:
Cardiovascular phenotype. Identifiers: MedGen CN230736.
Dilated cardiomyopathy 1DD (CMD1DD). Identifiers: Orphanet 154, MedGen C2750995, MONDO:0013168, OMIM 613172.

Submissions (2):

Ambry Genetics
Classification: Uncertain significance for Cardiovascular phenotype. Last evaluated: 2022-12-06. Review status: criteria provided, single submitter. Criteria: Ambry Variant Classification Scheme 2023. Collection method: clinical testing. Allele origin: germline.
Comment: The p.G259D variant (also known as c.776G>A), located in coding exon 2 of the RBM20 gene, results from a G to A substitution at nucleotide position 776. The glycine at codon 259 is replaced by aspartic acid, an amino acid with similar properties. This amino acid position is conserved. In addition, the in silico prediction for this alteration is inconclusive. Since supporting evidence is limited at this time, the clinical significance of this alteration remains unclear.

Labcorp Genetics (formerly Invitae), Labcorp
Classification: Uncertain significance for Dilated cardiomyopathy 1DD. Last evaluated: 2022-08-16. Review status: criteria provided, single submitter. Criteria: Invitae Variant Classification Sherloc (09022015). Collection method: clinical testing. Allele origin: germline.
Comment: This sequence change replaces glycine, which is neutral and non-polar, with aspartic acid, which is acidic and polar, at codon 259 of the RBM20 protein (p.Gly259Asp). In summary, the available evidence is currently insufficient to determine the role of this variant in disease. Therefore, it has been classified as a Variant of Uncertain Significance. Advanced modeling of protein sequence and biophysical properties (such as structural, functional, and spatial information, amino acid conservation, physicochemical variation, residue mobility, and thermodynamic stability) performed at Invitae indicates that this missense variant is not expected to disrupt RBM20 protein function. This variant has not been reported in the literature in individuals affected with RBM20-related conditions. This variant is not present in population databases (gnomAD no frequency).